The following is an entry in ClinVar:

ClinVar aggregate classification (germline): Likely benign. Review status: criteria provided, single submitter (1 of 4 stars). 2 submissions from 2 submitters: Likely benign (1). 1 of the submissions does not count toward it. Last evaluated 2025-07-14.

Conditions:
VPS13B-related disorder. Also called: VPS13B-related condition.
Cohen syndrome (COH1). Also called: Cutis verticis gyrata, retinitis pigmentosa, and sensorineural deafness; PEPPER SYNDROME. Identifiers: Orphanet 193, MedGen C0265223, MONDO:0008999, OMIM 216550.

Allele frequency attached by ClinVar (database versions not stated): gnomAD 0.00002; gnomAD exomes 0.00003 and 0.00004; TOPMed 0.00003; ExAC 0.00007.
gnomAD v4.1: 42 of 1,613,764 alleles (0.0026%); highest among the groups gnomAD compares: African/African-American, 0.0053%; no homozygotes.

Submissions (2):

Labcorp Genetics (formerly Invitae), Labcorp
Classification: Likely benign for Cohen syndrome. Last evaluated: 2025-07-14. Review status: criteria provided, single submitter. Criteria: Invitae Variant Classification Sherloc (09022015). Collection method: clinical testing. Allele origin: germline.

PreventionGenetics, part of Exact Sciences
Classification: Likely benign for VPS13B-related condition. Last evaluated: 2023-05-31. Review status: no assertion criteria provided. Collection method: clinical testing. Allele origin: germline. Not counted in ClinVar's aggregate classification.
Comment: This variant is classified as likely benign based on ACMG/AMP sequence variant interpretation guidelines (Richards et al. 2015 PMID: 25741868, with internal and published modifications).

NM_152564.5(VPS13B):c.7698C>T (p.Thr2566=)

Gene: VPS13B (vacuolar protein sorting 13 homolog B; plus strand). Cytogenetic location: 8q22.2.
Variant type: single nucleotide variant.
Coding change: c.7698C>T on transcript NM_152564.5 (MANE Select); coding-DNA position 7698, C replaced by T.
Protein change: p.Thr2566=; no amino-acid change (threonine 2566 retained).
Molecular consequence: synonymous variant.
Genome position (GRCh38, 1-based): chr8:99,778,950, C>T. VCF-style: chr8-99778950-C-T. GRCh37 (hg19) VCF-style: chr8-100791178-C-T.
Other names: c.7773C>T, p.Thr2591= (NM_017890.5); c.7698C>T (NM_152564.4).
Identifiers: ClinVar variation 1147925 (VCV001147925.10), dbSNP rs750908734, ClinGen allele CA4824273.